The following is an entry in ClinVar:

NM_032119.4(ADGRV1):c.18433-1G>A

Gene: ADGRV1 (adhesion G protein-coupled receptor V1; plus strand). Cytogenetic location: 5q14.3.
Variant type: single nucleotide variant.
Coding change: c.18433-1G>A on transcript NM_032119.4 (MANE Select); the canonical splice acceptor site of the intron before coding-DNA position 18433, G replaced by A.
Molecular consequence: splice acceptor variant.
Genome position (GRCh38, 1-based): chr5:91,150,029, G>A. VCF-style: chr5-91150029-G-A. GRCh37 (hg19) VCF-style: chr5-90445846-G-A.
Identifiers: ClinVar variation 2095902 (VCV002095902.4), dbSNP rs1218755350, ClinGen allele CA360431984.

ClinVar aggregate classification (germline): Likely pathogenic (1 of 4 stars; one submission).

Submission:

Labcorp Genetics (formerly Invitae), Labcorp
Classification: Likely pathogenic. Last evaluated: 2023-06-30. Review status: criteria provided, single submitter. Criteria: Invitae Variant Classification Sherloc (09022015). Collection method: clinical testing. Allele origin: germline.
Comment: This sequence change affects an acceptor splice site in intron 87 of the ADGRV1 gene. It is expected to disrupt RNA splicing. Variants that disrupt the donor or acceptor splice site typically lead to a loss of protein function (PMID: 16199547), and loss-of-function variants in ADGRV1 are known to be pathogenic (PMID: 19357117, 22135276, 22147658, 26226137, 30718709, 31047384, 32467589). This variant is not present in population databases (gnomAD no frequency). This variant has not been reported in the literature in individuals affected with ADGRV1-related conditions. ClinVar contains an entry for this variant (Variation ID: 2095902). Algorithms developed to predict the effect of sequence changes on RNA splicing suggest that this variant may disrupt the consensus splice site. In summary, the currently available evidence indicates that the variant is pathogenic, but additional data are needed to prove that conclusively. Therefore, this variant has been classified as Likely Pathogenic.

Literature cited by the submitters: PubMed 16199547; PubMed 19357117; PubMed 22135276; PubMed 22147658; PubMed 26226137; PubMed 30718709; PubMed 31047384; PubMed 32467589.